The following is an entry in ClinVar:

ClinVar aggregate classification (germline): Uncertain significance. Review status: criteria provided, multiple submitters, no conflicts (2 of 4 stars). 2 submissions from 2 submitters: Uncertain significance (2). Last evaluated 2025-09-20.

Conditions:
Inborn genetic diseases. Identifiers: MedGen C0950123, MeSH D030342.

Allele frequency attached by ClinVar (database versions not stated): gnomAD 0.00002; ExAC 0.00003; TOPMed 0.00004.
gnomAD v4.1: 54 of 1,613,618 alleles (0.0033%); highest among the groups gnomAD compares: Non-Finnish European, 0.0039%; no homozygotes.

Submissions (2):

Labcorp Genetics (formerly Invitae), Labcorp
Classification: Uncertain significance. Last evaluated: 2025-09-20. Review status: criteria provided, single submitter. Criteria: Invitae Variant Classification Sherloc (09022015). Collection method: clinical testing. Allele origin: germline.
Comment: This sequence change replaces arginine, which is basic and polar, with glutamine, which is neutral and polar, at codon 1018 of the DOCK6 protein (p.Arg1018Gln). This variant is present in population databases (rs769185886, gnomAD 0.006%). This variant has not been reported in the literature in individuals affected with DOCK6-related conditions. ClinVar contains an entry for this variant (Variation ID: 2190995). Invitae Evidence Modeling of protein sequence and biophysical properties (such as structural, functional, and spatial information, amino acid conservation, physicochemical variation, residue mobility, and thermodynamic stability) indicates that this missense variant is not expected to disrupt DOCK6 protein function with a negative predictive value of 80%. In summary, the available evidence is currently insufficient to determine the role of this variant in disease. Therefore, it has been classified as a Variant of Uncertain Significance.

Ambry Genetics
Classification: Uncertain significance for Inborn genetic diseases. Last evaluated: 2021-08-23. Review status: criteria provided, single submitter. Criteria: Ambry Variant Classification Scheme 2023. Collection method: clinical testing. Allele origin: germline.

NM_020812.4(DOCK6):c.3053G>A (p.Arg1018Gln)

Gene: DOCK6 (dedicator of cytokinesis 6; minus strand). Cytogenetic location: 19p13.2.
Variant type: single nucleotide variant.
Coding change: c.3053G>A on transcript NM_020812.4 (MANE Select); coding-DNA position 3053, G replaced by A.
Protein change: p.Arg1018Gln; replaces arginine 1018 with glutamine.
Molecular consequence: missense variant.
Genome position (GRCh38, 1-based): chr19:11,223,009, C>T on the plus strand (G>A on the coding strand, the complement: DOCK6 is on the minus strand). VCF-style: chr19-11223009-C-T. GRCh37 (hg19) VCF-style: chr19-11333685-C-T.
Other names: c.3158G>A, p.Arg1053Gln (NM_001367830.1); c.3053G>A (NM_020812.2); short protein forms R1018Q, R1053Q.
Identifiers: ClinVar variation 2190995 (VCV002190995.3), dbSNP rs769185886, ClinGen allele CA9207386.
Genomic context (GRCh38, chr19:11,223,009, plus strand): 5'-CCTTCCATCCATGCCATGCCCACCCTGCCCACGCCCACTCCTACCTGCTTGTAGTGGGCC[C>T]GGACCAGGCTGAAGACAAAGCCCCGGTCCACCAGGGACAGAAGGTCACTGAGGAAGAAAG-3'
Protein context (NP_065863.2, residues 1008-1028): VDRGFVFSLV[Arg1018Gln]AHYKQVATRL